The following is an entry in ClinVar:

ClinVar aggregate classification (germline): Uncertain significance (1 of 4 stars; one submission).

Allele frequency attached by ClinVar (database versions not stated): TOPMed below 0.00001; ExAC 0.00002; gnomAD exomes 0.00002.
gnomAD v4.1: 27 of 1,613,420 alleles (0.0017%); highest among the groups gnomAD compares: East Asian, 0.0045%; no homozygotes.

Submission:

Labcorp Genetics (formerly Invitae), Labcorp
Classification: Uncertain significance. Last evaluated: 2024-08-21. Review status: criteria provided, single submitter. Criteria: Invitae Variant Classification Sherloc (09022015). Collection method: clinical testing. Allele origin: germline.
Comment: This sequence change creates a premature translational stop signal (p.Arg239*) in the TFAM gene. While this is not anticipated to result in nonsense mediated decay, it is expected to disrupt the last 8 amino acid(s) of the TFAM protein. This variant is present in population databases (rs778811926, gnomAD 0.003%). This variant has not been reported in the literature in individuals affected with TFAM-related conditions. Experimental studies and prediction algorithms are not available or were not evaluated, and the functional significance of this variant is currently unknown. In summary, the available evidence is currently insufficient to determine the role of this variant in disease. Therefore, it has been classified as a Variant of Uncertain Significance.

NM_003201.3(TFAM):c.715C>T (p.Arg239Ter)

Gene: TFAM (transcription factor A, mitochondrial; plus strand). Cytogenetic location: 10q21.1.
Variant type: single nucleotide variant.
Coding change: c.715C>T on transcript NM_003201.3 (MANE Select); coding-DNA position 715, C replaced by T.
Protein change: p.Arg239Ter; replaces arginine 239 with a stop codon.
Molecular consequence: nonsense. On other transcripts: non-coding transcript variant (1).
Genome position (GRCh38, 1-based): chr10:58,395,048, C>T. VCF-style: chr10-58395048-C-T. GRCh37 (hg19) VCF-style: chr10-60154808-C-T.
Other names: c.619C>T, p.Arg207Ter (NM_001270782.2); short protein forms R207*, R239*.
Identifiers: ClinVar variation 2917982 (VCV002917982.3), dbSNP rs778811926, ClinGen allele CA5508070.
Genomic context (GRCh38, chr10:58,395,048, plus strand): 5'-GAAGAACAAATGATTGAAGTTGGACGAAAGGATCTTCTACGTCGCACAATAAAGAAACAA[C>T]GAAAATATGGTGCTGAGGAGTGTTAAAAGTAGAAGATTGAGATGTGTTCACAATGGATAG-3'